The following is an entry in ClinVar:

NM_000038.6(APC):c.2021T>C (p.Leu674Ser)

Gene: APC (APC regulator of Wnt signaling pathway; plus strand). Cytogenetic location: 5q22.2.
Variant type: single nucleotide variant.
Coding change: c.2021T>C on transcript NM_000038.6 (MANE Select); coding-DNA position 2021, T replaced by C.
Protein change: p.Leu674Ser; replaces leucine 674 with serine.
Molecular consequence: missense variant.
Genome position (GRCh38, 1-based): chr5:112,837,615, T>C. VCF-style: chr5-112837615-T-C. GRCh37 (hg19) VCF-style: chr5-112173312-T-C.
Other names: c.2021T>C, p.Leu674Ser (NM_001127510.3, NM_001354895.2); c.1967T>C, p.Leu656Ser (NM_001127511.3); c.2075T>C, p.Leu692Ser (NM_001354896.2); c.2051T>C, p.Leu684Ser (NM_001354897.2); c.1946T>C, p.Leu649Ser (NM_001354898.2); c.1937T>C, p.Leu646Ser (NM_001354899.2); c.1898T>C, p.Leu633Ser (NM_001354900.2); c.1844T>C, p.Leu615Ser (NM_001354901.2); and 5 more; short protein forms L633S, L646S, L573S, L583S, L649S, L656S, L674S, L692S.
Identifiers: ClinVar variation 949916 (VCV000949916.11), dbSNP rs1554083898, ClinGen allele CA16025738.

ClinVar aggregate classification (germline): Uncertain significance (1 of 4 stars; one submission).

Conditions:
Familial adenomatous polyposis 1 (FAP1). Also called: POLYPOSIS, ADENOMATOUS INTESTINAL; FAMILIAL ADENOMATOUS POLYPOSIS 1, ATTENUATED. Identifiers: MedGen C2713442, MONDO:0021056, OMIM 175100. Disease mechanism: loss of function.

Submission:

Labcorp Genetics (formerly Invitae), Labcorp
Classification: Uncertain significance for Familial adenomatous polyposis 1. Last evaluated: 2019-08-09. Review status: criteria provided, single submitter. Criteria: Invitae Variant Classification Sherloc (09022015). Collection method: clinical testing. Allele origin: germline.
Comment: In summary, the available evidence is currently insufficient to determine the role of this variant in disease. Therefore, it has been classified as a Variant of Uncertain Significance. Algorithms developed to predict the effect of missense changes on protein structure and function (SIFT, PolyPhen-2, Align-GVGD) all suggest that this variant is likely to be disruptive, but these predictions have not been confirmed by published functional studies and their clinical significance is uncertain. This variant has not been reported in the literature in individuals with APC-related conditions. This sequence change replaces leucine with serine at codon 674 of the APC protein (p.Leu674Ser). The leucine residue is highly conserved and there is a large physicochemical difference between leucine and serine. This variant is not present in population databases (ExAC no frequency).